The following is an entry in ClinVar:

NM_000359.3(TGM1):c.427C>G (p.Arg143Gly)

Gene: TGM1 (transglutaminase 1; minus strand). Cytogenetic location: 14q12.
Variant type: single nucleotide variant.
Coding change: c.427C>G on transcript NM_000359.3 (MANE Select); coding-DNA position 427, C replaced by G.
Protein change: p.Arg143Gly; replaces arginine 143 with glycine.
Molecular consequence: missense variant.
Genome position (GRCh38, 1-based): chr14:24,261,776, G>C on the plus strand (C>G on the coding strand, the complement: TGM1 is on the minus strand). VCF-style: chr14-24261776-G-C. GRCh37 (hg19) VCF-style: chr14-24730982-G-C.
Other names: short protein forms R143G.
Identifiers: ClinVar variation 452009 (VCV000452009.2), dbSNP rs531650682, ClinGen allele CA389277921.

ClinVar aggregate classification (germline): Pathogenic (1 of 4 stars; one submission).

Submission:

GeneDx
Classification: Pathogenic. Last evaluated: 2017-09-07. Review status: criteria provided, single submitter. Criteria: GeneDx Variant Classification (06012015). Collection method: clinical testing. Allele origin: germline. Affected: yes.
Comment: The R143G variant in the TGM1 gene has not been reported previously as a pathogenic variant nor as a benign variant, to our knowledge. However, pathogenic variants affecting Arg143, and the adjacent residue Arg142, have been reported numerous times in association with lamellar ichthyosis (LI), sometimes using alernate nomenclature (Russell et al., 1995; Laiho et al., 1997; Stenson et al., 2014). These variants affect the beta-sandwich domain of the protein known to be important for hydrogen bonding, secondary protein structure, and transglutaminase enzyme activity (Laiho et al., 1997). The R143G variant is not observed in large population cohorts (Lek et al., 2016; 1000 Genomes Consortium et al., 2015; Exome Variant Server). The R143G variant is a non-conservative amino acid substitution, which is likely to impact secondary protein structure as these residues differ in polarity, charge, size and/or other properties. In addition, this substitution occurs at a position that is conserved across species. Functional studies of R142C in mice, which corresponds to R143C in humans, showed that knock-in of this variant caused markedly decreased Tgm1 expression and almost no Tgm1 enzyme activity (Nakagawa et al., 2012). We therefore interpret R143G as a pathogenic variant.